The following is an entry in ClinVar:

NM_024675.4(PALB2):c.207C>T (p.His69=)

Gene: PALB2 (partner and localizer of BRCA2; minus strand). Cytogenetic location: 16p12.2.
Variant type: single nucleotide variant.
Coding change: c.207C>T on transcript NM_024675.4 (MANE Select); coding-DNA position 207, C replaced by T.
Protein change: p.His69=; no amino-acid change (histidine 69 retained).
Molecular consequence: synonymous variant.
Genome position (GRCh38, 1-based): chr16:23,637,854, G>A on the plus strand (C>T on the coding strand, the complement: PALB2 is on the minus strand). VCF-style: chr16-23637854-G-A. GRCh37 (hg19) VCF-style: chr16-23649175-G-A.
Identifiers: ClinVar variation 830093 (VCV000830093.2), dbSNP rs1567223897, ClinGen allele CA494167347.

ClinVar aggregate classification (germline): Likely benign. Review status: criteria provided, single submitter (1 of 4 stars). 2 submissions from 2 submitters: Likely benign (1). 1 of the submissions does not count toward it. Last evaluated 2023-11-13.

Conditions:
Hereditary cancer-predisposing syndrome. Also called: Hereditary neoplastic syndrome; Neoplastic Syndromes, Hereditary; Tumor predisposition; Hereditary Cancer Syndrome. Identifiers: Orphanet 140162, MedGen C0027672, MeSH D009386, MONDO:0015356.

Submissions (2):

Ambry Genetics
Classification: Likely benign for Hereditary cancer-predisposing syndrome. Last evaluated: 2023-11-13. Review status: criteria provided, single submitter. Criteria: Ambry Variant Classification Scheme 2023. Collection method: clinical testing. Allele origin: germline.

Leiden Open Variation Database
Classification: Uncertain significance. Last evaluated: 2018-08-25. Review status: no assertion criteria provided. Collection method: curation. Allele origin: germline. Affected: yes. Not counted in ClinVar's aggregate classification.
Comment: Curators: Marc Tischkowitz, Arleen D. Auerbach. Submitter to LOVD: Yukihide Momozawa.

Literature cited by the submitters: PubMed 30287823 (cited by Leiden Open Variation Database).